The following is an entry in ClinVar:

NM_001277313.2(FMN1):c.2044-2555C>T

Gene: FMN1 (formin 1; minus strand). Cytogenetic location: 15q13.3.
Variant type: single nucleotide variant.
Coding change: c.2044-2555C>T on transcript NM_001277313.2 (MANE Select); 2555 bases into the intron before coding-DNA position 2044, C replaced by T.
Molecular consequence: intron variant. On other transcripts: missense variant (1).
Genome position (GRCh38, 1-based): chr15:33,067,629, G>A on the plus strand (C>T on the coding strand, the complement: FMN1 is on the minus strand). VCF-style: chr15-33067629-G-A. GRCh37 (hg19) VCF-style: chr15-33359830-G-A.
Other names: c.256C>T, p.Arg86Trp (NM_001103184.4); short protein forms R86W.
Identifiers: ClinVar variation 3634337 (VCV003634337.2).
Genomic context (GRCh38, chr15:33,067,629, plus strand): 5'-CCTCTGATTCTGTCTCCACGCTTGCAATTTTCTCATCATTTCCGAGGTCAGGTGAAACCC[G>A]AGACCCTGCTTCCTGTGGATCCAAGCCATTGCTGGAATCATCCTGCTGAGATGTGGGATT-3'

ClinVar aggregate classification (germline): Uncertain significance (1 of 4 stars; one submission).

gnomAD v4.1: 45 of 1,613,872 alleles (0.0028%); highest among the groups gnomAD compares: African/African-American, 0.0067%; no homozygotes.

Submission:

Labcorp Genetics (formerly Invitae), Labcorp
Classification: Uncertain significance. Last evaluated: 2024-05-25. Review status: criteria provided, single submitter. Criteria: Invitae Variant Classification Sherloc (09022015). Collection method: clinical testing. Allele origin: germline.
Comment: This sequence change replaces arginine, which is basic and polar, with tryptophan, which is neutral and slightly polar, at codon 86 of the FMN1 protein (p.Arg86Trp). This variant is present in population databases (rs766238233, gnomAD 0.006%). This variant has not been reported in the literature in individuals affected with FMN1-related conditions. Experimental studies and prediction algorithms are not available or were not evaluated, and the functional significance of this variant is currently unknown. In summary, the available evidence is currently insufficient to determine the role of this variant in disease. Therefore, it has been classified as a Variant of Uncertain Significance.